The following is an entry in ClinVar:

ClinVar aggregate classification (germline): Pathogenic (1 of 4 stars; one submission).

Conditions:
Intellectual developmental disorder, autosomal dominant 1. Also called: Intellectual disability, autosomal dominant 1; MBD5 Haploinsufficiency. Identifiers: Orphanet 228402, MedGen C1969562, MONDO:0007974, OMIM 156200.

Submission:

Labcorp Genetics (formerly Invitae), Labcorp
Classification: Pathogenic for Intellectual developmental disorder, autosomal dominant 1. Last evaluated: 2023-07-16. Review status: criteria provided, single submitter. Criteria: Invitae Variant Classification Sherloc (09022015). Collection method: clinical testing. Allele origin: germline.
Comment: For these reasons, this variant has been classified as Pathogenic. This variant has not been reported in the literature in individuals affected with MBD5-related conditions. This variant is not present in population databases (gnomAD no frequency). This sequence change creates a premature translational stop signal (p.Gln967*) in the MBD5 gene. It is expected to result in an absent or disrupted protein product. Loss-of-function variants in MBD5 are known to be pathogenic (PMID: 23422940, 23587880).

Literature cited by the submitters: PubMed 23422940; PubMed 23587880.

NM_001378120.1(MBD5):c.3598C>T (p.Gln1200Ter)

Gene: MBD5 (methyl-CpG binding domain protein 5; plus strand). Cytogenetic location: 2q23.1.
Variant type: single nucleotide variant.
Coding change: c.3598C>T on transcript NM_001378120.1 (MANE Select); coding-DNA position 3598, C replaced by T.
Protein change: p.Gln1200Ter; replaces glutamine 1200 with a stop codon.
Molecular consequence: nonsense.
Genome position (GRCh38, 1-based): chr2:148,485,795, C>T. VCF-style: chr2-148485795-C-T. GRCh37 (hg19) VCF-style: chr2-149243364-C-T.
Other names: c.2899C>T, p.Gln967Ter (NM_018328.5); short protein forms Q1200*, Q967*.
Identifiers: ClinVar variation 2743940 (VCV002743940.3), dbSNP rs2469995857, ClinGen allele CA348724448.